The following is an entry in ClinVar:

ClinVar aggregate classification (germline): Uncertain significance. Review status: criteria provided, multiple submitters, no conflicts (2 of 4 stars). 2 submissions from 2 submitters: Uncertain significance (2). Last evaluated 2025-12-11.

Conditions:
Inborn genetic diseases. Identifiers: MedGen C0950123, MeSH D030342.

Allele frequency attached by ClinVar (database versions not stated): gnomAD 0.00001; ExAC 0.00001; gnomAD exomes below 0.00001; TOPMed 0.00002.
gnomAD v4.1: 4 of 1,614,002 alleles (0.00025%); highest among the groups gnomAD compares: Admixed American, 0.0033%; no homozygotes.

Submissions (2):

Ambry Genetics
Classification: Uncertain significance for Inborn genetic diseases. Last evaluated: 2025-12-11. Review status: criteria provided, single submitter. Criteria: Ambry Variant Classification Scheme 2023. Collection method: clinical testing. Allele origin: germline.

GeneDx
Classification: Uncertain significance. Last evaluated: 2019-06-10. Review status: criteria provided, single submitter. Criteria: GeneDx Variant Classification Process June 2021. Collection method: clinical testing. Allele origin: germline. Affected: yes.
Comment: In silico analysis, which includes protein predictors and evolutionary conservation, supports a deleterious effect; Has not been previously published as pathogenic or benign to our knowledge

NM_001395656.1(ROBO2):c.169C>T (p.Arg57Trp)

Gene: ROBO2 (roundabout guidance receptor 2; plus strand). Cytogenetic location: 3p12.3.
Variant type: single nucleotide variant.
Coding change: c.169C>T on transcript NM_001395656.1 (MANE Select); coding-DNA position 169, C replaced by T.
Protein change: p.Arg57Trp; replaces arginine 57 with tryptophan.
Molecular consequence: missense variant. On other transcripts: 5 prime UTR variant (1).
Genome position (GRCh38, 1-based): chr3:77,098,121, C>T. VCF-style: chr3-77098121-C-T. GRCh37 (hg19) VCF-style: chr3-77147272-C-T.
Other names: c.238C>T, p.Arg80Trp (NM_001395657.1, NM_001378198.1, NM_001378199.1 and 5 more transcripts); c.169C>T, p.Arg57Trp (NM_002942.5, NM_001378197.1, NM_001378202.1 and 3 more transcripts); c.217C>T, p.Arg73Trp (NM_001378195.1, NM_001378196.1, NM_001378200.1 and 5 more transcripts); c.-1750C>T (NM_001290065.2); short protein forms R57W, R73W, R80W.
Identifiers: ClinVar variation 1306357 (VCV001306357.4), dbSNP rs778332221, ClinGen allele CA2496661.